The following is an entry in ClinVar:

ClinVar aggregate classification (germline): Benign (1 of 4 stars; one submission).

Allele frequency attached by ClinVar (database versions not stated): 1000 Genomes Project 30x 0.98985; TOPMed 0.99012; gnomAD 0.99095 and 0.99140; 1000 Genomes Project 0.99261.
gnomAD v4.1: 143,976 of 145,210 alleles (99%); highest among the groups gnomAD compares: Middle Eastern, 100%; 71,389 homozygotes.

Submission:

GeneDx
Classification: Benign. Last evaluated: 2018-06-14. Review status: criteria provided, single submitter. Criteria: GeneDx Variant Classification (06012015). Collection method: clinical testing. Allele origin: germline. Affected: yes.
Comment: This variant is considered likely benign or benign based on one or more of the following criteria: it is a conservative change, it occurs at a poorly conserved position in the protein, it is predicted to be benign by multiple in silico algorithms, and/or has population frequency not consistent with disease.

NM_001458.5(FLNC):c.3791-194T>G

Gene: FLNC (filamin C; plus strand). Cytogenetic location: 7q32.1.
Variant type: single nucleotide variant.
Coding change: c.3791-194T>G on transcript NM_001458.5 (MANE Select); 194 bases into the intron before coding-DNA position 3791, T replaced by G.
Molecular consequence: intron variant.
Genome position (GRCh38, 1-based): chr7:128,845,796, T>G. VCF-style: chr7-128845796-T-G. GRCh37 (hg19) VCF-style: chr7-128485850-T-G.
Other names: c.3791-194T>G (NM_001127487.2).
Identifiers: ClinVar variation 680201 (VCV000680201.1), dbSNP rs6947044, ClinGen allele CA16314843.